The following is an entry in ClinVar:

ClinVar aggregate classification (germline): Uncertain significance (1 of 4 stars; one submission).

Submission:

Labcorp Genetics (formerly Invitae), Labcorp
Classification: Uncertain significance. Last evaluated: 2022-05-28. Review status: criteria provided, single submitter. Criteria: Invitae Variant Classification Sherloc (09022015). Collection method: clinical testing. Allele origin: germline.
Comment: In summary, the available evidence is currently insufficient to determine the role of this variant in disease. Therefore, it has been classified as a Variant of Uncertain Significance. This variant has not been reported in the literature in individuals affected with FAM186B-related conditions. The frequency data for this variant in the population databases is considered unreliable, as metrics indicate poor data quality at this position in the gnomAD database. This sequence change creates a premature translational stop signal (p.Gln454Leufs*9) in the FAM186B gene. It is expected to result in an absent or disrupted protein product. However, the current clinical and genetic evidence is not sufficient to establish whether loss-of-function variants in FAM186B cause disease.

NM_032130.3(FAM186B):c.1342_1360dup (p.Gln454fs)

Gene: FAM186B (family with sequence similarity 186 member B; minus strand). Cytogenetic location: 12q13.12.
Variant type: Duplication.
Coding change: c.1342_1360dup on transcript NM_032130.3 (MANE Select); coding-DNA positions 1342 to 1360, 19 bases duplicated (TTCCAGAAGGGAGGACTCC).
Protein change: p.Gln454fs; shifts the reading frame from glutamine 454.
Molecular consequence: frameshift variant. On other transcripts: non-coding transcript variant (1).
Genome position (GRCh38, 1-based): chr12:49,600,280-49,600,298, GGAGTCCTCCCTTCTGGAA duplicated on the plus strand (TTCCAGAAGGGAGGACTCC on the coding strand, the reverse complement: FAM186B is on the minus strand); duplicating any 19 consecutive bases within chr12:49,600,280-49,600,299 gives the same sequence; the c. name uses the placement nearest the transcript's 3' end. VCF-style (leftmost placement, unchanged base first): chr12-49600279-T-TGGAGTCCTCCCTTCTGGAA. GRCh37 (hg19) VCF-style: chr12-49994062-T-TGGAGTCCTCCCTTCTGGAA.
Other names: short protein forms Q454fs.
Identifiers: ClinVar variation 2039127 (VCV002039127.4), dbSNP rs765961356, ClinGen allele CA6554712.